The following is an entry in ClinVar:

ClinVar aggregate classification (germline): Uncertain significance (1 of 4 stars; one submission).

Submission:

GeneDx
Classification: Uncertain significance. Last evaluated: 2022-05-12. Review status: criteria provided, single submitter. Criteria: GeneDx Variant Classification Process June 2021. Collection method: clinical testing. Allele origin: germline. Affected: yes.
Comment: Not observed at significant frequency in large population cohorts (gnomAD); In-frame duplication of 4 amino acids in a non-repeat region; Has not been previously published as pathogenic or benign to our knowledge

NM_003070.5(SMARCA2):c.723_734dup (p.Gln245_Pro246insGlnProProGln)

Gene: SMARCA2 (SWI/SNF related BAF chromatin remodeling complex subunit ATPase 2; plus strand). Cytogenetic location: 9p24.3.
Variant type: Duplication.
Coding change: c.723_734dup on transcript NM_003070.5 (MANE Select); coding-DNA positions 723 to 734, 12 bases duplicated (GCAGCCGCCGCA).
Protein change: p.Gln245_Pro246insGlnProProGln.
Molecular consequence: inframe insertion. On other transcripts: inframe indel (1).
Genome position (GRCh38, 1-based): chr9:2,039,833-2,039,844, GCAGCCGCCGCA duplicated; duplicating any 12 consecutive bases within chr9:2,039,830-2,039,844 gives the same sequence; the c. name uses the placement nearest the transcript's 3' end. VCF-style (leftmost placement, unchanged base first): chr9-2039829-A-AGCAGCAGCCGCC. GRCh37 (hg19) VCF-style: chr9-2039829-A-AGCAGCAGCCGCC.
Other names: c.723_734dup, p.Gln245_Pro246insGlnProProGln (NM_001289396.2, NM_001289397.2, NM_139045.4).
Identifiers: ClinVar variation 1723542 (VCV001723542.2), dbSNP rs2537220800, ClinGen allele CA2580080184.
Genomic context (GRCh38, chr9:2,039,829, plus strand): 5'-AGCAGCAACAGCAGCAGCAGCAGCAGCAGCAGCAGCAGCAGCAGCAGCAACAGCAGCCGC[A>AGCAGCAGCCGCC]GCAGCAGCCGCCGCAACCACAGACGCAGCAACAACAGCAGCCGGCCCTTGTTAACTACAA-3'